The following is an entry in ClinVar:

NM_000548.5(TSC2):c.3883+68C>T

Gene: TSC2 (TSC complex subunit 2; plus strand). Cytogenetic location: 16p13.3.
Variant type: single nucleotide variant.
Coding change: c.3883+68C>T on transcript NM_000548.5 (MANE Select); 68 bases into the intron after coding-DNA position 3883, C replaced by T.
Molecular consequence: intron variant.
Genome position (GRCh38, 1-based): chr16:2,082,572, C>T. VCF-style: chr16-2082572-C-T. GRCh37 (hg19) VCF-style: chr16-2132573-C-T.
Other names: c.3670+774C>T (NM_001406673.1); c.3223+774C>T (NM_001406681.1); c.3703+774C>T (NM_001406670.1); c.3574+774C>T (NM_001318827.2); c.3571+774C>T (NM_001406678.1); c.3214+774C>T (NM_001406682.1, NM_001406683.1); c.3211+774C>T (NM_001406684.1); c.3085+774C>T (NM_001406685.1, NM_001406686.1); and 26 more.
Identifiers: ClinVar variation 3771538 (VCV003771538.13).

ClinVar aggregate classification (germline): Likely benign (1 of 4 stars; one submission).

gnomAD v4.1: 20 of 1,546,068 alleles (0.0013%); highest among the groups gnomAD compares: South Asian, 0.01%; no homozygotes.

Submission:

CeGaT Center for Human Genetics Tuebingen
Classification: Likely benign. Last evaluated: 2025-02-01. Review status: criteria provided, single submitter. Criteria: CeGaT Center For Human Genetics Tuebingen Variant Classification Criteria Version 2. Collection method: clinical testing. Allele origin: germline. Affected: yes. Observed: 1 variant allele.
Comment: TSC2: BP4, BP7